The following is an entry in ClinVar:

NM_004366.6(CLCN2):c.1605G>A (p.Met535Ile)

Gene: CLCN2 (chloride voltage-gated channel 2; minus strand). Cytogenetic location: 3q27.1.
Variant type: single nucleotide variant.
Coding change: c.1605G>A on transcript NM_004366.6 (MANE Select); coding-DNA position 1605, G replaced by A.
Protein change: p.Met535Ile; replaces methionine 535 with isoleucine.
Molecular consequence: missense variant.
Genome position (GRCh38, 1-based): chr3:184,354,217, C>T on the plus strand (G>A on the coding strand, the complement: CLCN2 is on the minus strand). VCF-style: chr3-184354217-C-T. GRCh37 (hg19) VCF-style: chr3-184072005-C-T.
Other names: c.1554G>A, p.Met518Ile (NM_001171087.3); c.1473G>A, p.Met491Ile (NM_001171088.3); c.1605G>A, p.Met535Ile (NM_001171089.3); short protein forms M491I, M535I, M518I.
Identifiers: ClinVar variation 1994896 (VCV001994896.5), dbSNP rs761825582, ClinGen allele CA2734036.
Genomic context (GRCh38, chr3:184,354,217, plus strand): 5'-GCTGTCATAGAGGGAGGGCTGCAGACTCTGGGCGACAGCGTTGGCCAGGATGACGGCGAT[C>T]ATGACAGGCAGGATGTGGGCAATCTGGCCTGTGAGCTCGAACACGATCACAGCCGTGGAC-3'
Protein context (NP_004357.3, residues 525-545): TGQIAHILPV[Met535Ile]IAVILANAVA

ClinVar aggregate classification (germline): Uncertain significance. Review status: criteria provided, multiple submitters, no conflicts (2 of 4 stars). 2 submissions from 2 submitters: Uncertain significance (2). Last evaluated 2024-10-04.

Allele frequency attached by ClinVar (database versions not stated): ExAC 0.00001; gnomAD 0.00002; gnomAD exomes 0.00002.
gnomAD v4.1: 13 of 1,613,338 alleles (0.00081%); highest among the groups gnomAD compares: Non-Finnish European, 0.00051%; no homozygotes.

Submissions (2):

Blueprint Genetics
Classification: Uncertain significance. Last evaluated: 2024-10-04. Review status: criteria provided, single submitter. Criteria: ACMG Guidelines, 2015. Collection method: clinical testing. Allele origin: germline.

Labcorp Genetics (formerly Invitae), Labcorp
Classification: Uncertain significance. Last evaluated: 2023-10-03. Review status: criteria provided, single submitter. Criteria: Invitae Variant Classification Sherloc (09022015). Collection method: clinical testing. Allele origin: germline.
Comment: This sequence change replaces methionine, which is neutral and non-polar, with isoleucine, which is neutral and non-polar, at codon 535 of the CLCN2 protein (p.Met535Ile). This variant is present in population databases (rs761825582, gnomAD 0.02%). This variant has not been reported in the literature in individuals affected with CLCN2-related conditions. ClinVar contains an entry for this variant (Variation ID: 1994896). Advanced modeling of protein sequence and biophysical properties (such as structural, functional, and spatial information, amino acid conservation, physicochemical variation, residue mobility, and thermodynamic stability) performed at Invitae indicates that this missense variant is not expected to disrupt CLCN2 protein function. In summary, the available evidence is currently insufficient to determine the role of this variant in disease. Therefore, it has been classified as a Variant of Uncertain Significance.